The following is an entry in ClinVar:

ClinVar aggregate classification (germline): Uncertain significance (1 of 4 stars; one submission).

Conditions:
Cardiovascular phenotype. Identifiers: MedGen CN230736.

Submission:

Ambry Genetics
Classification: Uncertain significance for Cardiovascular phenotype. Last evaluated: 2020-07-30. Review status: criteria provided, single submitter. Criteria: Ambry Variant Classification Scheme 2023. Collection method: clinical testing. Allele origin: germline.
Comment: The p.S24246G variant (also known as c.72736A>G), located in coding exon 183 of the TTN gene, results from an A to G substitution at nucleotide position 72736. The serine at codon 24246 is replaced by glycine, an amino acid with similar properties. This amino acid position is highly conserved in available vertebrate species. In addition, this alteration is predicted to be tolerated by in silico analysis. Since supporting evidence is limited at this time, the clinical significance of this alteration remains unclear.

NM_001267550.2(TTN):c.99931A>G (p.Ser33311Gly)

Genes: TTN (titin; minus strand), TTN-AS1 (TTN antisense RNA 1; plus strand), LOC126806420 (BRD4-independent group 4 enhancer GRCh37_chr2:179401104-179402303; plus strand). Cytogenetic location: 2q31.2.
Variant type: single nucleotide variant.
Coding change: c.99931A>G on transcript NM_001267550.2 (MANE Select); coding-DNA position 99931, A replaced by G.
Protein change: p.Ser33311Gly; replaces serine 33311 with glycine.
Molecular consequence: missense variant.
Genome position (GRCh38, 1-based): chr2:178,537,178, T>C on the plus strand (A>G on the coding strand, the complement: TTN is on the minus strand). VCF-style: chr2-178537178-T-C. GRCh37 (hg19) VCF-style: chr2-179401905-T-C.
Other names: c.95008A>G, p.Ser31670Gly (NM_001256850.1); c.72736A>G, p.Ser24246Gly (NM_003319.4); c.92227A>G, p.Ser30743Gly (NM_133378.4); c.73111A>G, p.Ser24371Gly (NM_133432.3); c.73312A>G, p.Ser24438Gly (NM_133437.4); short protein forms S24246G, S24438G, S30743G, S33311G, S24371G, S31670G.
Identifiers: ClinVar variation 1758022 (VCV001758022.2), dbSNP rs2468659177, ClinGen allele CA349427135.